The following is an entry in ClinVar:

ClinVar aggregate classification (germline): Uncertain significance (1 of 4 stars; one submission).

Conditions:
Brugada syndrome 4 (BRGDA4). Identifiers: Orphanet 130, MedGen C2678477, MONDO:0012743, OMIM 611876.

Submission:

Labcorp Genetics (formerly Invitae), Labcorp
Classification: Uncertain significance for Brugada syndrome 4. Last evaluated: 2023-04-07. Review status: criteria provided, single submitter. Criteria: Invitae Variant Classification Sherloc (09022015). Collection method: clinical testing. Allele origin: germline.
Comment: In summary, the available evidence is currently insufficient to determine the role of this variant in disease. Therefore, it has been classified as a Variant of Uncertain Significance. Experimental studies and prediction algorithms are not available or were not evaluated, and the functional significance of this variant is currently unknown. This variant has not been reported in the literature in individuals affected with CACNB2-related conditions. This variant is not present in population databases (gnomAD no frequency). This variant occurs in a non-coding region of the CACNB2 gene. It does not change the encoded amino acid sequence of the CACNB2 protein.

NM_201596.3(CACNB2):c.*34_*35insGAAGTCTTGTATAACTAACAGCATCAGTTTTGCCCGTTTGTGTTTTTTTTTTTTTTTTTT (p.Ter661=)

Gene: CACNB2 (calcium voltage-gated channel auxiliary subunit beta 2; plus strand). Cytogenetic location: 10p12.31.
Variant type: Insertion.
Coding change: c.*34_*35insGAAGTCTTGTATAACTAACAGCATCAGTTTTGCCCGTTTGTGTTTTTTTTTTTTTTTTTT on transcript NM_201596.3 (MANE Select); 34 bases downstream of the stop codon through 35 bases downstream of the stop codon, GAAGTCTTGTATAACTAACAGCATCAGTTTTGCCCGTTTGTGTTTTTTTTTTTTTTTTTT inserted.
Protein change: p.Ter661=.
Molecular consequence: no sequence alteration.
Genome position: GRCh38: chr10:18,539,758-18,539,759. GRCh37 (hg19): chr10:18,828,687-18,828,688.
Other names: c.*34_*35insGAAGTCTTGTATAACTAACAGCATCAGTTTTGCCCGTTTGTGTTTTTTTTTTTTTTTTTT, p.Ter606= (NM_000724.4); c.*34_*35insGAAGTCTTGTATAACTAACAGCATCAGTTTTGCCCGTTTGTGTTTTTTTTTTTTTTTTTT, p.Ter595= (NM_001167945.2); c.*34_*35insGAAGTCTTGTATAACTAACAGCATCAGTTTTGCCCGTTTGTGTTTTTTTTTTTTTTTTTT, p.Ter568= (NM_001330060.2); c.*34_*35insGAAGTCTTGTATAACTAACAGCATCAGTTTTGCCCGTTTGTGTTTTTTTTTTTTTTTTTT, p.Ter575= (NM_001410882.1); c.*34_*35insGAAGTCTTGTATAACTAACAGCATCAGTTTTGCCCGTTTGTGTTTTTTTTTTTTTTTTTT, p.Ter613= (NM_201570.3); c.*34_*35insGAAGTCTTGTATAACTAACAGCATCAGTTTTGCCCGTTTGTGTTTTTTTTTTTTTTTTTT, p.Ter633= (NM_201571.4); c.*34_*35insGAAGTCTTGTATAACTAACAGCATCAGTTTTGCCCGTTTGTGTTTTTTTTTTTTTTTTTT, p.Ter609= (NM_201572.4); c.*34_*35insGAAGTCTTGTATAACTAACAGCATCAGTTTTGCCCGTTTGTGTTTTTTTTTTTTTTTTTT, p.Ter607= (NM_201590.3); and 2 more.
Identifiers: ClinVar variation 2853207 (VCV002853207.3), dbSNP rs2494925234, ClinGen allele CA2608435781.